The following is an entry in ClinVar:

NM_000836.4(GRIN2D):c.3529G>A (p.Ala1177Thr)

Gene: GRIN2D (glutamate ionotropic receptor NMDA type subunit 2D; plus strand). Cytogenetic location: 19q13.33.
Variant type: single nucleotide variant.
Coding change: c.3529G>A on transcript NM_000836.4 (MANE Select); coding-DNA position 3529, G replaced by A.
Protein change: p.Ala1177Thr; replaces alanine 1177 with threonine.
Molecular consequence: missense variant.
Genome position (GRCh38, 1-based): chr19:48,443,455, G>A. VCF-style: chr19-48443455-G-A. GRCh37 (hg19) VCF-style: chr19-48946712-G-A.
Other names: short protein forms A1177T.
Identifiers: ClinVar variation 1012455 (VCV001012455.42), dbSNP rs1034543856, ClinGen allele CA309299391.
Genomic context (GRCh38, chr19:48,443,455, plus strand): 5'-AAGCTCGGGGGCTGGCGCGCCGGGAGCTGGGACTACCTGCCCCCGCGCAGCGGTCCGGCC[G>A]CCTGGCACTGTCGGCACTGCGCCAGCCTGGAGCTGCTGCCGCCGCCGCGCCATCTCAGCT-3'
Protein context (NP_000827.2, residues 1167-1187): DYLPPRSGPA[Ala1177Thr]WHCRHCASLE

ClinVar aggregate classification (germline): Uncertain significance. Review status: criteria provided, multiple submitters, no conflicts (2 of 4 stars). 2 submissions from 2 submitters: Uncertain significance (2). Last evaluated 2025-04-22.

Allele frequency attached by ClinVar (database versions not stated): gnomAD 0.00001; gnomAD exomes 0.00001; TOPMed 0.00002.
gnomAD v4.1: 18 of 1,384,206 alleles (0.0013%); highest among the groups gnomAD compares: Non-Finnish European, 0.0015%; no homozygotes.

Submissions (2):

Labcorp Genetics (formerly Invitae), Labcorp
Classification: Uncertain significance. Last evaluated: 2025-04-22. Review status: criteria provided, single submitter. Criteria: Invitae Variant Classification Sherloc (09022015). Collection method: clinical testing. Allele origin: germline.
Comment: This sequence change replaces alanine, which is neutral and non-polar, with threonine, which is neutral and polar, at codon 1177 of the GRIN2D protein (p.Ala1177Thr). This variant is not present in population databases (gnomAD no frequency). This variant has not been reported in the literature in individuals affected with GRIN2D-related conditions. ClinVar contains an entry for this variant (Variation ID: 1012455). Invitae Evidence Modeling of protein sequence and biophysical properties (such as structural, functional, and spatial information, amino acid conservation, physicochemical variation, residue mobility, and thermodynamic stability) indicates that this missense variant is not expected to disrupt GRIN2D protein function with a negative predictive value of 95%. In summary, the available evidence is currently insufficient to determine the role of this variant in disease. Therefore, it has been classified as a Variant of Uncertain Significance.

CeGaT Center for Human Genetics Tuebingen
Classification: Uncertain significance. Last evaluated: 2020-12-01. Review status: criteria provided, single submitter. Criteria: CeGaT Center For Human Genetics Tuebingen Variant Classification Criteria Version 2. Collection method: clinical testing. Allele origin: germline. Affected: yes. Observed: 1 variant allele.